The following is an entry in ClinVar:

ClinVar aggregate classification (germline): Uncertain significance (1 of 4 stars; one submission).

Conditions:
Hereditary spastic paraplegia 30. Identifiers: Orphanet 101010, MedGen C5235139, MONDO:0012476.
Neuropathy, hereditary sensory, type 2C. Also called: Hereditary sensory and autonomic neuropathy type IIC; KIF1A-Related HSAN2 (HSAN2C). Identifiers: Orphanet 970, MedGen C3280168, MONDO:0013634, OMIM 614213.
Intellectual disability, autosomal dominant 9 (NESCAVS). Also called: NESCAV SYNDROME; KIF1A-Related Neurodevelopmental Disorder. Identifiers: Orphanet 662367, MedGen C5393830, MONDO:0013656, OMIM 614255.

Allele frequency attached by ClinVar (database versions not stated): gnomAD exomes below 0.00001; gnomAD 0.00001.
gnomAD v4.1: 3 of 1,576,158 alleles (0.00019%); highest among the groups gnomAD compares: East Asian, 0.007%; no homozygotes.

Submission:

Labcorp Genetics (formerly Invitae), Labcorp
Classification: Uncertain significance for Hereditary spastic paraplegia 30; Neuropathy, hereditary sensory, type 2C; Intellectual disability, autosomal dominant 9. Last evaluated: 2025-04-22. Review status: criteria provided, single submitter. Criteria: Invitae Variant Classification Sherloc (09022015). Collection method: clinical testing. Allele origin: germline.
Comment: This sequence change replaces isoleucine, which is neutral and non-polar, with valine, which is neutral and non-polar, at codon 584 of the KIF1A protein (p.Ile584Val). This variant is present in population databases (no rsID available, gnomAD 0.01%). This variant has not been reported in the literature in individuals affected with KIF1A-related conditions. ClinVar contains an entry for this variant (Variation ID: 1961474). Invitae Evidence Modeling of protein sequence and biophysical properties (such as structural, functional, and spatial information, amino acid conservation, physicochemical variation, residue mobility, and thermodynamic stability) has been performed for this missense variant. However, the output from this modeling did not meet the statistical confidence thresholds required to predict the impact of this variant on KIF1A protein function. In summary, the available evidence is currently insufficient to determine the role of this variant in disease. Therefore, it has been classified as a Variant of Uncertain Significance.

NM_001244008.2(KIF1A):c.1777A>G (p.Ile593Val)

Gene: KIF1A (kinesin family member 1A; minus strand). Cytogenetic location: 2q37.3.
Variant type: single nucleotide variant.
Coding change: c.1777A>G on transcript NM_001244008.2 (MANE Select); coding-DNA position 1777, A replaced by G.
Protein change: p.Ile593Val; replaces isoleucine 593 with valine.
Molecular consequence: missense variant.
Genome position (GRCh38, 1-based): chr2:240,763,338, T>C on the plus strand (A>G on the coding strand, the complement: KIF1A is on the minus strand). VCF-style: chr2-240763338-T-C. GRCh37 (hg19) VCF-style: chr2-241702755-T-C.
Other names: c.1777A>G, p.Ile593Val (NM_001320705.2, NM_001330289.2, NM_001379638.1); c.1852A>G, p.Ile618Val (NM_001330290.2, NM_001379631.1, NM_001379634.1 and 2 more transcripts); c.1750A>G, p.Ile584Val (NM_001379632.1, NM_001379633.1, NM_001379636.1 and 11 more transcripts); c.1825A>G, p.Ile609Val (NM_001379637.1, NM_001379648.1); short protein forms I609V, I593V, I618V, I584V.
Identifiers: ClinVar variation 1961474 (VCV001961474.5), dbSNP rs1473740450, ClinGen allele CA351327309.
Genomic context (GRCh38, chr2:240,763,338, plus strand): 5'-GCTCCTGCCGGGCCTGCTCGGGGTGGTTGAACCGGAACACATGGCTCTTACCCATGATGA[T>C]GCGGTTTCCTGGGGAACAGAGGGACAGGTGGCCTTGAGGGATGGGGATCTTCAGGTCCCT-3'
Protein context (NP_001230937.1, residues 583-603): EPSILRSGNR[Ile593Val]IMGKSHVFRF